The following is an entry in ClinVar:

NM_001130144.3(LTBP3):c.1712A>G (p.Gln571Arg)

Gene: LTBP3 (latent transforming growth factor beta binding protein 3; minus strand). Cytogenetic location: 11q13.1.
Variant type: single nucleotide variant.
Coding change: c.1712A>G on transcript NM_001130144.3 (MANE Select); coding-DNA position 1712, A replaced by G.
Protein change: p.Gln571Arg; replaces glutamine 571 with arginine.
Molecular consequence: missense variant.
Genome position (GRCh38, 1-based): chr11:65,551,134, T>C on the plus strand (A>G on the coding strand, the complement: LTBP3 is on the minus strand). VCF-style: chr11-65551134-T-C. GRCh37 (hg19) VCF-style: chr11-65318605-T-C.
Other names: c.1361A>G, p.Gln454Arg (NM_001164266.1); c.1712A>G, p.Gln571Arg (NM_021070.4); short protein forms Q454R, Q571R.
Identifiers: ClinVar variation 1374407 (VCV001374407.6), dbSNP rs1856594821, ClinGen allele CA381272629.
Genomic context (GRCh38, chr11:65,551,134, plus strand): 5'-CTAAAGTGGGGGCGTGGCCTAGGCAGGGGTGGCTTTGCTGGGCGGGCCTTACCTGTGACC[T>C]GAGTGGGAGCGATCTCTACGGCGCTGCGGGAAGGAGGCAAGTCCGGCAGGAACCAGCGCA-3'
Protein context (NP_001123616.1, residues 561-581): SRSAVEIAPT[Gln571Arg]VTETDECRLN

ClinVar aggregate classification (germline): Uncertain significance (1 of 4 stars; one submission).

Conditions:
Brachyolmia-amelogenesis imperfecta syndrome. Also called: Tooth agenesis, selective, 6; Dental anomalies and short stature; PLATYSPONDYLY WITH AMELOGENESIS IMPERFECTA. Identifiers: Orphanet 2899, MedGen C1832594, MONDO:0011018, OMIM 601216. Disease mechanism: loss of function.

Allele frequency attached by ClinVar (database versions not stated): gnomAD exomes below 0.00001; TOPMed below 0.00001.
gnomAD v4.1: 3 of 1,553,220 alleles (0.00019%); highest among the groups gnomAD compares: Admixed American, 0.0019%; no homozygotes.

Submission:

Labcorp Genetics (formerly Invitae), Labcorp
Classification: Uncertain significance for Brachyolmia-amelogenesis imperfecta syndrome. Last evaluated: 2021-08-13. Review status: criteria provided, single submitter. Criteria: Invitae Variant Classification Sherloc (09022015). Collection method: clinical testing. Allele origin: germline.
Comment: In summary, the available evidence is currently insufficient to determine the role of this variant in disease. Therefore, it has been classified as a Variant of Uncertain Significance. Algorithms developed to predict the effect of missense changes on protein structure and function are either unavailable or do not agree on the potential impact of this missense change (SIFT: "Tolerated"; PolyPhen-2: "Possibly Damaging"; Align-GVGD: "Class C0"). This variant has not been reported in the literature in individuals affected with LTBP3-related conditions. This variant is not present in population databases (ExAC no frequency). This sequence change replaces glutamine with arginine at codon 571 of the LTBP3 protein (p.Gln571Arg). The glutamine residue is moderately conserved and there is a small physicochemical difference between glutamine and arginine.